The following is an entry in ClinVar:

NM_004304.5(ALK):c.3071C>T (p.Ser1024Leu)

Gene: ALK (ALK receptor tyrosine kinase; minus strand). Cytogenetic location: 2p23.2.
Variant type: single nucleotide variant.
Coding change: c.3071C>T on transcript NM_004304.5 (MANE Select); coding-DNA position 3071, C replaced by T.
Protein change: p.Ser1024Leu; replaces serine 1024 with leucine.
Molecular consequence: missense variant.
Genome position (GRCh38, 1-based): chr2:29,225,562, G>A on the plus strand (C>T on the coding strand, the complement: ALK is on the minus strand). VCF-style: chr2-29225562-G-A. GRCh37 (hg19) VCF-style: chr2-29448428-G-A.
Other names: short protein forms S1024L.
Identifiers: ClinVar variation 1727261 (VCV001727261.4), dbSNP rs2148176594, ClinGen allele CA346467096.

ClinVar aggregate classification (germline): Uncertain significance (1 of 4 stars; one submission).

Conditions:
Hereditary cancer-predisposing syndrome. Also called: Tumor predisposition; Neoplastic Syndromes, Hereditary; Hereditary Cancer Syndrome; Hereditary neoplastic syndrome. Identifiers: Orphanet 140162, MedGen C0027672, MeSH D009386, MONDO:0015356.

Allele frequency attached by ClinVar (database versions not stated): gnomAD exomes below 0.00001.
gnomAD v4.1: 6 of 1,608,322 alleles (0.00037%); highest among the groups gnomAD compares: Non-Finnish European, 0.00051%; no homozygotes.

Submission:

Ambry Genetics
Classification: Uncertain significance for Hereditary cancer-predisposing syndrome. Last evaluated: 2025-02-04. Review status: criteria provided, single submitter. Criteria: Ambry Variant Classification Scheme 2023. Collection method: clinical testing. Allele origin: germline.
Comment: The p.S1024L variant (also known as c.3071C>T), located in coding exon 19 of the ALK gene, results from a C to T substitution at nucleotide position 3071. The serine at codon 1024 is replaced by leucine, an amino acid with dissimilar properties. This amino acid position is conserved. In addition, this alteration is predicted to be tolerated by in silico analysis. Since supporting evidence is limited at this time, the clinical significance of this alteration remains unclear.